The following is an entry in ClinVar:

ClinVar aggregate classification (germline): Uncertain significance. Review status: criteria provided, multiple submitters, no conflicts (2 of 4 stars). 2 submissions from 2 submitters: Uncertain significance (2). Last evaluated 2020-03-20.

Conditions:
Charcot-Marie-Tooth disease axonal type 2N (CMT2N). Also called: Charcot-Marie-Tooth Neuropathy Type 2N; CHARCOT-MARIE-TOOTH DISEASE, AXONAL, AUTOSOMAL DOMINANT, TYPE 2N; CHARCOT-MARIE-TOOTH NEUROPATHY, AXONAL, TYPE 2N. Identifiers: Orphanet 228174, MedGen C2750090, MONDO:0013212, OMIM 613287.
Inborn genetic diseases. Identifiers: MedGen C0950123, MeSH D030342.

gnomAD v4.1: 1 of 1,614,200 alleles (0.000062%); highest among the groups gnomAD compares: Non-Finnish European, 0.000085%; no homozygotes.

Submissions (2):

Ambry Genetics
Classification: Uncertain significance for Inborn genetic diseases. Last evaluated: 2020-03-20. Review status: criteria provided, single submitter. Criteria: Ambry Variant Classification Scheme 2023. Collection method: clinical testing. Allele origin: germline.
Comment: The p.E537D variant (also known as c.1611G>T), located in coding exon 11 of the AARS gene, results from a G to T substitution at nucleotide position 1611. The glutamic acid at codon 537 is replaced by aspartic acid, an amino acid with highly similar properties. This amino acid position is highly conserved in available vertebrate species. In addition, the in silico prediction for this alteration is inconclusive. Since supporting evidence is limited at this time, the clinical significance of this alteration remains unclear.

Illumina Laboratory Services, Illumina
Classification: Uncertain significance for Charcot-Marie-Tooth disease axonal type 2N. Last evaluated: 2018-01-13. Review status: criteria provided, single submitter. Criteria: ICSL Variant Classification Criteria 13 December 2019. Collection method: clinical testing. Allele origin: germline.

NM_001605.3(AARS1):c.1611G>T (p.Glu537Asp)

Gene: AARS1 (alanyl-tRNA synthetase 1; minus strand). Cytogenetic location: 16q22.1.
Variant type: single nucleotide variant.
Coding change: c.1611G>T on transcript NM_001605.3 (MANE Select); coding-DNA position 1611, G replaced by T.
Protein change: p.Glu537Asp; replaces glutamic acid 537 with aspartic acid.
Molecular consequence: missense variant.
Genome position (GRCh38, 1-based): chr16:70,262,406, C>A on the plus strand (G>T on the coding strand, the complement: AARS1 is on the minus strand). VCF-style: chr16-70262406-C-A. GRCh37 (hg19) VCF-style: chr16-70296309-C-A.
Other names: short protein forms E537D.
Identifiers: ClinVar variation 320338 (VCV000320338.7), dbSNP rs371617479, ClinGen allele CA10648007.